The following is an entry in ClinVar:

NM_001844.5(COL2A1):c.2050G>C (p.Gly684Arg)

Gene: COL2A1 (collagen type II alpha 1 chain; minus strand). Cytogenetic location: 12q13.11.
Variant type: single nucleotide variant.
Coding change: c.2050G>C on transcript NM_001844.5 (MANE Select); coding-DNA position 2050, G replaced by C.
Protein change: p.Gly684Arg; replaces glycine 684 with arginine.
Molecular consequence: missense variant.
Genome position (GRCh38, 1-based): chr12:47,983,137, C>G on the plus strand (G>C on the coding strand, the complement: COL2A1 is on the minus strand). VCF-style: chr12-47983137-C-G. GRCh37 (hg19) VCF-style: chr12-48376920-C-G.
Other names: c.1843G>C, p.Gly615Arg (NM_033150.3); short protein forms G615R, G684R.
Identifiers: ClinVar variation 2137336 (VCV002137336.4), dbSNP rs1231988113, ClinGen allele CA384547689.

ClinVar aggregate classification (germline): Likely pathogenic (1 of 4 stars; one submission).

Submission:

Labcorp Genetics (formerly Invitae), Labcorp
Classification: Likely pathogenic. Last evaluated: 2024-10-03. Review status: criteria provided, single submitter. Criteria: Invitae Variant Classification Sherloc (09022015). Collection method: clinical testing. Allele origin: germline.
Comment: This sequence change replaces glycine, which is neutral and non-polar, with arginine, which is basic and polar, at codon 684 of the COL2A1 protein (p.Gly684Arg). This variant is not present in population databases (gnomAD no frequency). This missense change has been observed in individual(s) with autosomal dominant COL2A1-related conditions (PMID: 22791362). ClinVar contains an entry for this variant (Variation ID: 2137336). An algorithm developed to predict the effect of missense changes on protein structure and function (PolyPhen-2) suggests that this variant is likely to be disruptive. This variant disrupts the triple helix domain of COL2A1. Glycine residues within the Gly-Xaa-Yaa repeats of the triple helix domain are required for the structure and stability of fibrillar collagens (PMID: 7695699, 8218237, 19344236). In COL2A1, variants affecting these glycine residues are significantly enriched in individuals with disease (PMID: 9016532, 17078022) compared to the general population (ExAC). In summary, the currently available evidence indicates that the variant is pathogenic, but additional data are needed to prove that conclusively. Therefore, this variant has been classified as Likely Pathogenic.

Literature cited by the submitters: PubMed 22791362; PubMed 7695699; PubMed 8218237; PubMed 19344236; PubMed 9016532; PubMed 17078022.